The following is an entry in ClinVar:

ClinVar aggregate classification (germline): Likely benign (1 of 4 stars; one submission).

gnomAD v4.1: 15 of 1,609,438 alleles (0.00093%); highest among the groups gnomAD compares: Admixed American, 0.005%; no homozygotes.

Submission:

CeGaT Center for Human Genetics Tuebingen
Classification: Likely benign. Last evaluated: 2026-05-01. Review status: criteria provided, single submitter. Criteria: CeGaT Center For Human Genetics Tuebingen Variant Classification Criteria Version 2. Collection method: clinical testing. Allele origin: germline. Affected: yes. Observed: 1 variant allele.
Comment: COL5A1: BP4, BP7

NM_000093.5(COL5A1):c.5136+129C>G

Genes: COL5A1 (collagen type V alpha 1 chain; plus strand), LOC101448202 (uncharacterized LOC101448202; minus strand). Cytogenetic location: 9q34.3.
Variant type: single nucleotide variant.
Coding change: c.5136+129C>G on transcript NM_000093.5 (MANE Select); 129 bases into the intron after coding-DNA position 5136, C replaced by G.
Molecular consequence: intron variant. On other transcripts: synonymous variant (1).
Genome position (GRCh38, 1-based): chr9:134,830,173, C>G. VCF-style: chr9-134830173-C-G. GRCh37 (hg19) VCF-style: chr9-137722019-C-G.
Other names: c.5133C>G, p.Ser1711= (NM_001278074.1).
Identifiers: ClinVar variation 4873252 (VCV004873252.2).